The following is an entry in ClinVar:

NM_000387.6(SLC25A20):c.29C>T (p.Pro10Leu)

Gene: SLC25A20 (solute carrier family 25 member 20; minus strand). Cytogenetic location: 3p21.31.
Variant type: single nucleotide variant.
Coding change: c.29C>T on transcript NM_000387.6 (MANE Select); coding-DNA position 29, C replaced by T.
Protein change: p.Pro10Leu; replaces proline 10 with leucine.
Molecular consequence: missense variant.
Genome position (GRCh38, 1-based): chr3:48,898,766, G>A on the plus strand (C>T on the coding strand, the complement: SLC25A20 is on the minus strand). VCF-style: chr3-48898766-G-A. GRCh37 (hg19) VCF-style: chr3-48936199-G-A.
Other names: c.29C>T (NM_000387.5); short protein forms P10L.
Identifiers: ClinVar variation 1445123 (VCV001445123.6), dbSNP rs376837831, ClinGen allele CA2387532.

ClinVar aggregate classification (germline): Uncertain significance. Review status: criteria provided, multiple submitters, no conflicts (2 of 4 stars). 2 submissions from 2 submitters: Uncertain significance (2). Last evaluated 2025-03-07.

Conditions:
Carnitine acylcarnitine translocase deficiency (CACTD). Identifiers: Orphanet 159, MedGen C0342791, MONDO:0008918, OMIM 212138.
Inborn genetic diseases. Identifiers: MedGen C0950123, MeSH D030342.

Allele frequency attached by ClinVar (database versions not stated): gnomAD exomes below 0.00001; ExAC 0.00002; ESP Exome Variant Server 0.00008.
gnomAD v4.1: 12 of 1,600,626 alleles (0.00075%); highest among the groups gnomAD compares: African/African-American, 0.0067%; no homozygotes.

Submissions (2):

Ambry Genetics
Classification: Uncertain significance for Inborn genetic diseases. Last evaluated: 2025-03-07. Review status: criteria provided, single submitter. Criteria: Ambry Variant Classification Scheme 2023. Collection method: clinical testing. Allele origin: germline.

Labcorp Genetics (formerly Invitae), Labcorp
Classification: Uncertain significance for Carnitine acylcarnitine translocase deficiency. Last evaluated: 2021-08-27. Review status: criteria provided, single submitter. Criteria: Invitae Variant Classification Sherloc (09022015). Collection method: clinical testing. Allele origin: germline.
Comment: This sequence change replaces proline with leucine at codon 10 of the SLC25A20 protein (p.Pro10Leu). The proline residue is moderately conserved and there is a moderate physicochemical difference between proline and leucine. This variant is present in population databases (rs376837831, ExAC 0.003%). This variant has not been reported in the literature in individuals affected with SLC25A20-related conditions. Algorithms developed to predict the effect of missense changes on protein structure and function are either unavailable or do not agree on the potential impact of this missense change (SIFT: "Tolerated"; PolyPhen-2: "Probably Damaging"; Align-GVGD: "Class C0"). In summary, the available evidence is currently insufficient to determine the role of this variant in disease. Therefore, it has been classified as a Variant of Uncertain Significance.